The following is an entry in ClinVar:

ClinVar aggregate classification (germline): Uncertain significance (1 of 4 stars; one submission).

Conditions:
Emery-Dreifuss muscular dystrophy 5, autosomal dominant (EDMD5). Also called: EMERY-DREIFUSS MUSCULAR DYSTROPHY 5. Identifiers: Orphanet 261, MedGen C2751805, MONDO:0013072, OMIM 612999.

Submission:

Labcorp Genetics (formerly Invitae), Labcorp
Classification: Uncertain significance for Emery-Dreifuss muscular dystrophy 5, autosomal dominant. Last evaluated: 2024-08-29. Review status: criteria provided, single submitter. Criteria: Invitae Variant Classification Sherloc (09022015). Collection method: clinical testing. Allele origin: germline.
Comment: This sequence change creates a premature translational stop signal (p.Tyr487*) in the SYNE2 gene. It is expected to result in an absent or disrupted protein product. However, the current clinical and genetic evidence is not sufficient to establish whether loss-of-function variants in SYNE2 cause disease. This variant is not present in population databases (gnomAD no frequency). This variant has not been reported in the literature in individuals affected with SYNE2-related conditions. Algorithms developed to predict the effect of sequence changes on RNA splicing suggest that this variant may disrupt the consensus splice site. In summary, the available evidence is currently insufficient to determine the role of this variant in disease. Therefore, it has been classified as a Variant of Uncertain Significance.

NM_182914.3(SYNE2):c.1461C>G (p.Tyr487Ter)

Gene: SYNE2 (spectrin repeat containing nuclear envelope protein 2; plus strand). Cytogenetic location: 14q23.2.
Variant type: single nucleotide variant.
Coding change: c.1461C>G on transcript NM_182914.3 (MANE Select); coding-DNA position 1461, C replaced by G.
Protein change: p.Tyr487Ter; replaces tyrosine 487 with a stop codon.
Molecular consequence: nonsense.
Genome position (GRCh38, 1-based): chr14:63,978,906, C>G. VCF-style: chr14-63978906-C-G. GRCh37 (hg19) VCF-style: chr14-64445624-C-G.
Other names: c.1461C>G, p.Tyr487Ter (NM_015180.6); short protein forms Y487*.
Identifiers: ClinVar variation 3695186 (VCV003695186.2).